The following is an entry in ClinVar:

ClinVar aggregate classification (germline): Uncertain significance (1 of 4 stars; one submission).

Conditions:
Brugada syndrome 8 (BRGDA8). Identifiers: Orphanet 130, MedGen C2751083, MONDO:0013148, OMIM 613123.

gnomAD v4.1: 1 of 1,600,342 alleles (0.000062%); highest among the groups gnomAD compares: Non-Finnish European, 0.000085%; no homozygotes.

Submission:

Labcorp Genetics (formerly Invitae), Labcorp
Classification: Uncertain significance for Brugada syndrome 8. Last evaluated: 2025-12-17. Review status: criteria provided, single submitter. Criteria: Invitae Variant Classification Sherloc (09022015). Collection method: clinical testing. Allele origin: germline.
Comment: This sequence change replaces histidine, which is basic and polar, with glutamine, which is neutral and polar, at codon 825 of the HCN4 protein (p.His825Gln). This variant is not present in population databases (gnomAD no frequency). This variant has not been reported in the literature in individuals affected with HCN4-related conditions. Invitae Evidence Modeling of protein sequence and biophysical properties (such as structural, functional, and spatial information, amino acid conservation, physicochemical variation, residue mobility, and thermodynamic stability) indicates that this missense variant is not expected to disrupt HCN4 protein function with a negative predictive value of 95%. In summary, the available evidence is currently insufficient to determine the role of this variant in disease. Therefore, it has been classified as a Variant of Uncertain Significance.

NM_005477.3(HCN4):c.2475C>A (p.His825Gln)

Gene: HCN4 (hyperpolarization activated cyclic nucleotide gated potassium channel 4; minus strand). Cytogenetic location: 15q24.1.
Variant type: single nucleotide variant.
Coding change: c.2475C>A on transcript NM_005477.3 (MANE Select); coding-DNA position 2475, C replaced by A.
Protein change: p.His825Gln; replaces histidine 825 with glutamine.
Molecular consequence: missense variant.
Genome position (GRCh38, 1-based): chr15:73,323,618, G>T on the plus strand (C>A on the coding strand, the complement: HCN4 is on the minus strand). VCF-style: chr15-73323618-G-T. GRCh37 (hg19) VCF-style: chr15-73615959-G-T.
Other names: short protein forms H825Q.
Identifiers: ClinVar variation 4802402 (VCV004802402.1).